The following is an entry in ClinVar:

NM_001242896.3(DEPDC5):c.991C>T (p.Gln331Ter)

Gene: DEPDC5 (DEP domain containing 5, GATOR1 subcomplex subunit; plus strand). Cytogenetic location: 22q12.3.
Variant type: single nucleotide variant.
Coding change: c.991C>T on transcript NM_001242896.3 (MANE Select); coding-DNA position 991, C replaced by T.
Protein change: p.Gln331Ter; replaces glutamine 331 with a stop codon.
Molecular consequence: nonsense. On other transcripts: non-coding transcript variant (5).
Genome position (GRCh38, 1-based): chr22:31,802,748, C>T. VCF-style: chr22-31802748-C-T. GRCh37 (hg19) VCF-style: chr22-32198734-C-T.
Other names: c.991C>T, p.Gln331Ter (NM_001007188.4, NM_001136029.4, NM_001242897.2 and 7 more transcripts); c.907C>T, p.Gln303Ter (NM_001369901.1, NM_001369902.1); short protein forms Q303*, Q331*.
Identifiers: ClinVar variation 2756321 (VCV002756321.3), dbSNP rs2518876819, ClinGen allele CA411292826.

ClinVar aggregate classification (germline): Pathogenic (1 of 4 stars; one submission).

Conditions:
Familial focal epilepsy with variable foci (FPEVF). Identifiers: Orphanet 98820, MedGen C1858477, MONDO:0020310.

Submission:

Labcorp Genetics (formerly Invitae), Labcorp
Classification: Pathogenic for Familial focal epilepsy with variable foci. Last evaluated: 2023-08-29. Review status: criteria provided, single submitter. Criteria: Invitae Variant Classification Sherloc (09022015). Collection method: clinical testing. Allele origin: germline.
Comment: For these reasons, this variant has been classified as Pathogenic. This variant has not been reported in the literature in individuals affected with DEPDC5-related conditions. This variant is not present in population databases (gnomAD no frequency). This sequence change creates a premature translational stop signal (p.Gln331*) in the DEPDC5 gene. It is expected to result in an absent or disrupted protein product. Loss-of-function variants in DEPDC5 are known to be pathogenic (PMID: 23542697, 23542701).

Literature cited by the submitters: PubMed 23542697; PubMed 23542701.